The following is an entry in ClinVar:

ClinVar aggregate classification (germline): Pathogenic (1 of 4 stars; one submission).

Conditions:
Charcot-Marie-Tooth disease, type I (CMT1). Also called: Charcot-Marie-Tooth disease type 1; Charcot-Marie-Tooth, Type 1. Identifiers: Orphanet 65753, MedGen C0751036, MONDO:0019011.

Submission:

Labcorp Genetics (formerly Invitae), Labcorp
Classification: Pathogenic for Charcot-Marie-Tooth disease, type I. Last evaluated: 2018-09-14. Review status: criteria provided, single submitter. Criteria: Invitae Variant Classification Sherloc (09022015). Collection method: clinical testing. Allele origin: germline.
Comment: This variant is a gross duplication of the genomic region encompassing exons 2-5 of the PMP22 gene. This assay only includes exons 2-5 of PMP22, which covers the entire coding sequence. Therefore, it is assumed that the entire gene is duplicated. Duplications of the region on chromosome 17p11.2 which contain the PMP22 gene cause Charcot-Marie-Tooth type 1A (CMT1A) (PMID: 1677316, 1822787) and have been shown to lead to increased gene dosage as the functional defect in individuals with CMT1A (PMID: 1303230). For these reasons, this variant has been classified as Pathogenic.

Literature cited by the submitters: PubMed 1677316; PubMed 1303230; PubMed 1822787.

NC_000017.10:g.(?_15142778)_(15164054_?)dup

Genes: MIR4731 (microRNA 4731; minus strand), PMP22 (peripheral myelin protein 22; minus strand). Cytogenetic location: 17p12.
Variant type: Duplication.
Identifiers: ClinVar variation 655765 (VCV000655765.1).